The following is an entry in ClinVar:

ClinVar aggregate classification (germline): Pathogenic. Review status: criteria provided, multiple submitters, no conflicts (2 of 4 stars). 2 submissions from 2 submitters: Pathogenic (2). Last evaluated 2025-10-07.

Conditions:
Long QT syndrome (LQTS). Identifiers: MedGen C0023976, MeSH D008133, MONDO:0002442. Disease mechanism: loss of function. Inheritance: Various modes of inheritance.
Cardiovascular phenotype. Identifiers: MedGen CN230736.

Submissions (2):

Labcorp Genetics (formerly Invitae), Labcorp
Classification: Pathogenic for Long QT syndrome. Last evaluated: 2025-10-07. Review status: criteria provided, single submitter. Criteria: Invitae Variant Classification Sherloc (09022015). Collection method: clinical testing. Allele origin: germline.
Comment: This sequence change creates a premature translational stop signal (p.Trp154*) in the KCNH2 gene. It is expected to result in an absent or disrupted protein product. Loss-of-function variants in KCNH2 are known to be pathogenic (PMID: 10973849, 19862833). This variant is not present in population databases (gnomAD no frequency). This premature translational stop signal has been observed in individual(s) with long QT syndrome (PMID: 26496715). ClinVar contains an entry for this variant (Variation ID: 1742024). For these reasons, this variant has been classified as Pathogenic.

Ambry Genetics
Classification: Pathogenic for Cardiovascular phenotype. Last evaluated: 2016-06-10. Review status: criteria provided, single submitter. Criteria: Ambry Variant Classification Scheme 2023. Collection method: clinical testing. Allele origin: germline.
Comment: The p.W154* pathogenic mutation (also known as c.462G>A), located in coding exon 3 of the KCNH2 gene, results from a G to A substitution at nucleotide position 462. This changes the amino acid from a tryptophan to a stop codon within coding exon 3. This alteration is expected to result in loss of function by premature protein truncation or nonsense-mediated mRNA decay. As such, this alteration is interpreted as a disease-causing mutation.

Literature cited by the submitters: PubMed 10973849 (cited by Labcorp Genetics (formerly Invitae), Labcorp); PubMed 19862833 (cited by Labcorp Genetics (formerly Invitae), Labcorp); PubMed 26496715 (cited by Labcorp Genetics (formerly Invitae), Labcorp and Ambry Genetics).

NM_000238.4(KCNH2):c.462G>A (p.Trp154Ter)

Gene: KCNH2 (potassium voltage-gated channel subfamily H member 2; minus strand). Cytogenetic location: 7q36.1.
Variant type: single nucleotide variant.
Coding change: c.462G>A on transcript NM_000238.4 (MANE Select); coding-DNA position 462, G replaced by A.
Protein change: p.Trp154Ter; replaces tryptophan 154 with a stop codon.
Molecular consequence: nonsense.
Genome position (GRCh38, 1-based): chr7:150,959,582, C>T on the plus strand (G>A on the coding strand, the complement: KCNH2 is on the minus strand). VCF-style: chr7-150959582-C-T. GRCh37 (hg19) VCF-style: chr7-150656670-C-T.
Other names: c.174G>A, p.Trp58Ter (NM_001406753.1, NM_001406756.1); c.285G>A, p.Trp95Ter (NM_001406755.1); c.162G>A, p.Trp54Ter (NM_001406757.1); c.462G>A, p.Trp154Ter (NM_172056.3); short protein forms W154*, W54*, W58*, W95*.
Identifiers: ClinVar variation 1742024 (VCV001742024.7), dbSNP rs2486099963, ClinGen allele CA369863609.